The following is an entry in ClinVar:

ClinVar aggregate classification (germline): Pathogenic/Likely pathogenic. Review status: criteria provided, multiple submitters, no conflicts (2 of 4 stars). 3 submissions from 3 submitters: Pathogenic (1); Likely pathogenic (2). Last evaluated 2024-06-07.

Conditions:
Mucopolysaccharidosis, MPS-II (MPS2). Also called: Mucopolysaccharidosis with skin involvement; IDS deficiency; Sulfoiduronate sulfatase deficiency; SIDS deficiency; Attenuated MPS (subtype; formerly known as mild MPS II); Severe MPS II. Identifiers: Orphanet 580, Orphanet 79388, MedGen C0026705, MONDO:0010674, OMIM 309900.
Inborn genetic diseases. Identifiers: MedGen C0950123, MeSH D030342.

Submissions (3):

Laboratory of Diagnosis and Therapy of Lysosomal Disorders, University of Padova
Classification: Likely pathogenic for Mucopolysaccharidosis, MPS-II. Last evaluated: 2024-06-07. Review status: criteria provided, single submitter. Criteria: ACMG Guidelines, 2015. Collection method: literature only. Allele origin: germline. Affected: yes. Observed: 5 variant alleles.
Comment: Prevalence of the variant significantly increased in affected individuals compared with controls (PS4_Supporting), Absent from controls (or at low frequency) in gnomAD database (PM2_Moderate), Missense variant in a gene with a low rate of benign missense variation (PP2_Supporting), Multiple lines of computational evidence support a deleterious effect (PP3_Supporting), Patient’s phenotype or family history highly specific for the disease (PP4_Moderate)

Classification method: ACMG Guidelines [PMID:25741868] with modifications

Labcorp Genetics (formerly Invitae), Labcorp
Classification: Pathogenic for Mucopolysaccharidosis, MPS-II. Last evaluated: 2023-11-22. Review status: criteria provided, single submitter. Criteria: Invitae Variant Classification Sherloc (09022015). Collection method: clinical testing. Allele origin: germline.
Comment: This sequence change replaces glutamine, which is neutral and polar, with arginine, which is basic and polar, at codon 80 of the IDS protein (p.Gln80Arg). This variant is not present in population databases (gnomAD no frequency). This missense change has been observed in individuals with clinical features of mucopolysaccharidosis type II (PMID: 22976768, 24125893, 27883178). ClinVar contains an entry for this variant (Variation ID: 1790667). An algorithm developed to predict the effect of missense changes on protein structure and function (PolyPhen-2) suggests that this variant is likely to be disruptive. This variant disrupts the p.Gln80 amino acid residue in IDS. Other variant(s) that disrupt this residue have been observed in individuals with IDS-related conditions (PMID: 22286622), which suggests that this may be a clinically significant amino acid residue. For these reasons, this variant has been classified as Pathogenic.

Ambry Genetics
Classification: Likely pathogenic for Inborn genetic diseases. Last evaluated: 2016-05-18. Review status: criteria provided, single submitter. Criteria: Ambry Variant Classification Scheme 2023. Collection method: clinical testing. Allele origin: germline.
Comment: The p.Q80R variant (also known as c.239A>G), located in coding exon 2 of the IDS gene, results from an A to G substitution at nucleotide position 239. The glutamine at codon 80 is replaced by arginine, an amino acid with highly similar properties. This variant was detected in two individuals, one with a clinical diagnosis of Hunter syndrome and absent IDS activity and the second with a clinical suspicion of a mucopolysaccharidosis due to elevated levels of heparan and dermatan sulfate in urine (Pollard LM, J. Inherit. Metab. Dis. 2013 Mar; 36(2):179-87). This variant was not reported in population based cohorts in the following databases: Database of Single Nucleotide Polymorphisms (dbSNP), NHLBI Exome Sequencing Project (ESP), and 1000 Genomes Project. In the ESP, this variant was not observed in 6499 samples with coverage at this position. This amino acid position is highly conserved in available vertebrate species. In addition, this alteration is predicted to be deleterious by in silico analysis. Based on the majority of available evidence to date, this variant is likely to be pathogenic.

Literature cited by the submitters: PubMed 24125893 (cited by Laboratory of Diagnosis and Therapy of Lysosomal Disorders, University of Padova and Labcorp Genetics (formerly Invitae), Labcorp); PubMed 27883178 (cited by Laboratory of Diagnosis and Therapy of Lysosomal Disorders, University of Padova and Labcorp Genetics (formerly Invitae), Labcorp); PubMed 33960103 (cited by Laboratory of Diagnosis and Therapy of Lysosomal Disorders, University of Padova); PubMed 22976768 (cited by 3 submitters); PubMed 22286622 (cited by Labcorp Genetics (formerly Invitae), Labcorp).

NM_000202.8(IDS):c.239A>G (p.Gln80Arg)

Gene: IDS (iduronate 2-sulfatase; minus strand). Cytogenetic location: Xq28.
Variant type: single nucleotide variant.
Coding change: c.239A>G on transcript NM_000202.8 (MANE Select); coding-DNA position 239, A replaced by G.
Protein change: p.Gln80Arg; replaces glutamine 80 with arginine.
Molecular consequence: missense variant. On other transcripts: non-coding transcript variant (1).
Genome position (GRCh38, 1-based): chrX:149,504,158, T>C on the plus strand (A>G on the coding strand, the complement: IDS is on the minus strand). VCF-style: chrX-149504158-T-C. GRCh37 (hg19) VCF-style: chrX-148585688-T-C.
Other names: c.13A>G, p.Arg5Gly (NM_001166550.4); c.239A>G, p.Gln80Arg (NM_006123.5); short protein forms Q80R, R5G.
Identifiers: ClinVar variation 1790667 (VCV001790667.9), dbSNP rs2520900502, ClinGen allele CA414527123.
Genomic context (GRCh38, chrX:149,504,158, plus strand): 5'-CCCCCAACCCTCAGTGCACGAAGCAGCACACACCCACAGCTAGAGGTTCCCAGACATACC[T>C]GCGCAAAGGCATTCTGGAAGAGGAGGCTGTGGGATGCCAGTTGGTCAATATTTGGGGACC-3'
Protein context (NP_000193.1, residues 70-90): HSLLFQNAFA[Gln80Arg]QAVCAPSRVS